The following is an entry in ClinVar:

ClinVar aggregate classification (germline): Uncertain significance (1 of 4 stars; one submission).

Submission:

Labcorp Genetics (formerly Invitae), Labcorp
Classification: Uncertain significance. Last evaluated: 2022-11-24. Review status: criteria provided, single submitter. Criteria: Invitae Variant Classification Sherloc (09022015). Collection method: clinical testing. Allele origin: germline.
Comment: This sequence change falls in intron 2 of the LZTR1 gene. It does not directly change the encoded amino acid sequence of the LZTR1 protein. It affects a nucleotide within the consensus splice site. This variant is not present in population databases (gnomAD no frequency). This variant has not been reported in the literature in individuals affected with LZTR1-related conditions. Variants that disrupt the consensus splice site are a relatively common cause of aberrant splicing (PMID: 17576681, 9536098). Algorithms developed to predict the effect of sequence changes on RNA splicing suggest that this variant may disrupt the consensus splice site. In summary, the available evidence is currently insufficient to determine the role of this variant in disease. Therefore, it has been classified as a Variant of Uncertain Significance.

Literature cited by the submitters: PubMed 17576681; PubMed 9536098.

NM_006767.4(LZTR1):c.263+3G>T

Gene: LZTR1 (leucine zipper like post translational regulator 1; plus strand). Cytogenetic location: 22q11.21.
Variant type: single nucleotide variant.
Coding change: c.263+3G>T on transcript NM_006767.4 (MANE Select); 3 bases into the intron after coding-DNA position 263, G replaced by T.
Molecular consequence: intron variant.
Genome position (GRCh38, 1-based): chr22:20,983,092, G>T. VCF-style: chr22-20983092-G-T. GRCh37 (hg19) VCF-style: chr22-21337381-G-T.
Identifiers: ClinVar variation 2900583 (VCV002900583.3), dbSNP rs1924258957, ClinGen allele CA2739267810.